The following is an entry in ClinVar:

NM_003072.5(SMARCA4):c.2049C>G (p.Pro683=)

Gene: SMARCA4 (SWI/SNF related BAF chromatin remodeling complex subunit ATPase 4; plus strand). Cytogenetic location: 19p13.2.
Variant type: single nucleotide variant.
Coding change: c.2049C>G on transcript NM_003072.5 (MANE Select); coding-DNA position 2049, C replaced by G.
Protein change: p.Pro683=; no amino-acid change (proline 683 retained).
Molecular consequence: synonymous variant. On other transcripts: non-coding transcript variant (1).
Genome position (GRCh38, 1-based): chr19:11,007,949, C>G. VCF-style: chr19-11007949-C-G. GRCh37 (hg19) VCF-style: chr19-11118625-C-G.
Other names: c.2049C>G, p.Pro683= (NM_001128844.3, NM_001128845.2, NM_001128846.2 and 6 more transcripts).
Identifiers: ClinVar variation 4085788 (VCV004085788.8).

ClinVar aggregate classification (germline): Likely benign (1 of 4 stars; one submission).

Submission:

CeGaT Center for Human Genetics Tuebingen
Classification: Likely benign. Last evaluated: 2025-08-01. Review status: criteria provided, single submitter. Criteria: CeGaT Center For Human Genetics Tuebingen Variant Classification Criteria Version 2. Collection method: clinical testing. Allele origin: germline. Affected: yes. Observed: 1 variant allele.
Comment: SMARCA4: PM2:Supporting, BP4, BP7